The following is an entry in ClinVar:

NM_006642.5(SDCCAG8):c.52C>T (p.Gln18Ter)

Gene: SDCCAG8 (SHH signaling and ciliogenesis regulator SDCCAG8; plus strand). Cytogenetic location: 1q43.
Variant type: single nucleotide variant.
Coding change: c.52C>T on transcript NM_006642.5 (MANE Select); coding-DNA position 52, C replaced by T.
Protein change: p.Gln18Ter; replaces glutamine 18 with a stop codon.
Molecular consequence: nonsense. On other transcripts: 5 prime UTR variant (4).
Genome position (GRCh38, 1-based): chr1:243,256,225, C>T. VCF-style: chr1-243256225-C-T. GRCh37 (hg19) VCF-style: chr1-243419527-C-T.
Other names: c.-1061C>T (NM_001350246.2); c.-949C>T (NM_001350247.2); c.52C>T, p.Gln18Ter (NM_001350248.2); c.-256C>T (NM_001350249.2); c.-1322C>T (NM_001350251.2); short protein forms Q18*.
Identifiers: ClinVar variation 4786384 (VCV004786384.1).

ClinVar aggregate classification (germline): Pathogenic (1 of 4 stars; one submission).

Conditions:
Senior-Loken syndrome 7 (SLSN7). Identifiers: Orphanet 3156, MedGen C3150877, MONDO:0013326, OMIM 613615.
Bardet-Biedl syndrome 16 (BBS16). Identifiers: Orphanet 110, MedGen C3889474, MONDO:0014444, OMIM 615993.

Submission:

Labcorp Genetics (formerly Invitae), Labcorp
Classification: Pathogenic for Bardet-Biedl syndrome 16; Senior-Loken syndrome 7. Last evaluated: 2025-10-11. Review status: criteria provided, single submitter. Criteria: Invitae Variant Classification Sherloc (09022015). Collection method: clinical testing. Allele origin: germline.
Comment: This sequence change creates a premature translational stop signal (p.Gln18*) in the SDCCAG8 gene. It is expected to result in an absent or disrupted protein product. Loss-of-function variants in SDCCAG8 are known to be pathogenic (PMID: 20835237, 22190896). This variant is not present in population databases (gnomAD no frequency). This variant has not been reported in the literature in individuals affected with SDCCAG8-related conditions. Algorithms developed to predict the effect of sequence changes on RNA splicing suggest that this variant may disrupt the consensus splice site. For these reasons, this variant has been classified as Pathogenic.

Literature cited by the submitters: PubMed 20835237; PubMed 22190896.